The following is an entry in ClinVar:

ClinVar aggregate classification (germline): Uncertain significance (1 of 4 stars; one submission).

Conditions:
Baller-Gerold syndrome (BGS). Also called: CRANIOSYNOSTOSIS WITH RADIAL DEFECTS. Identifiers: Orphanet 1225, MedGen C0265308, MONDO:0009039, OMIM 218600.

Submission:

Labcorp Genetics (formerly Invitae), Labcorp
Classification: Uncertain significance for Baller-Gerold syndrome. Last evaluated: 2024-09-17. Review status: criteria provided, single submitter. Criteria: Invitae Variant Classification Sherloc (09022015). Collection method: clinical testing. Allele origin: germline.
Comment: This sequence change replaces histidine, which is basic and polar, with glutamine, which is neutral and polar, at codon 554 of the RECQL4 protein (p.His554Gln). This variant is not present in population databases (gnomAD no frequency). This variant has not been reported in the literature in individuals affected with RECQL4-related conditions. Invitae Evidence Modeling of protein sequence and biophysical properties (such as structural, functional, and spatial information, amino acid conservation, physicochemical variation, residue mobility, and thermodynamic stability) indicates that this missense variant is expected to disrupt RECQL4 protein function with a positive predictive value of 80%. In summary, the available evidence is currently insufficient to determine the role of this variant in disease. Therefore, it has been classified as a Variant of Uncertain Significance.

NM_004260.4(RECQL4):c.1662C>G (p.His554Gln)

Gene: RECQL4 (RecQ like helicase 4; minus strand). Cytogenetic location: 8q24.3.
Variant type: single nucleotide variant.
Coding change: c.1662C>G on transcript NM_004260.4 (MANE Select); coding-DNA position 1662, C replaced by G.
Protein change: p.His554Gln; replaces histidine 554 with glutamine.
Molecular consequence: missense variant. On other transcripts: non-coding transcript variant (3).
Genome position (GRCh38, 1-based): chr8:144,514,484, G>C on the plus strand (C>G on the coding strand, the complement: RECQL4 is on the minus strand). VCF-style: chr8-144514484-G-C. GRCh37 (hg19) VCF-style: chr8-145739868-G-C.
Other names: c.1566C>G, p.His522Gln (NM_001413017.1, NM_001413020.1); c.1662C>G, p.His554Gln (NM_001413018.1, NM_001413019.1, NM_001413033.1 and 1 more transcripts); c.591C>G, p.His197Gln (NM_001413021.1, NM_001413022.1, NM_001413023.1 and 7 more transcripts); c.1533C>G, p.His511Gln (NM_001413025.1); c.525C>G, p.His175Gln (NM_001413027.1, NM_001413030.1, NM_001413031.1 and 2 more transcripts); c.1311C>G, p.His437Gln (NM_001413029.1); c.1632C>G, p.His544Gln (NM_001413039.1); c.561C>G, p.His187Gln (NM_001413042.1); and 1 more; short protein forms H511Q, H175Q, H554Q, H65Q, H197Q, H437Q, H544Q, H187Q.
Identifiers: ClinVar variation 3665613 (VCV003665613.2).